The following is an entry in ClinVar:

NM_000051.4(ATM):c.7005A>G (p.Thr2335=)

Genes: ATM (ATM serine/threonine kinase; plus strand), C11orf65 (chromosome 11 open reading frame 65; minus strand). Cytogenetic location: 11q22.3.
Variant type: single nucleotide variant.
Coding change: c.7005A>G on transcript NM_000051.4 (MANE Select); coding-DNA position 7005, A replaced by G.
Protein change: p.Thr2335=; no amino-acid change (threonine 2335 retained).
Molecular consequence: synonymous variant. On other transcripts: intron variant (2).
Genome position (GRCh38, 1-based): chr11:108,327,674, A>G. VCF-style: chr11-108327674-A-G. GRCh37 (hg19) VCF-style: chr11-108198401-A-G.
Other names: c.7005A>G, p.Thr2335= (NM_001351834.2); c.641-18603T>C (NM_001330368.2); c.*38+7546T>C (NM_001351110.2).
Identifiers: ClinVar variation 524480 (VCV000524480.13), dbSNP rs1555120978, ClinGen allele CA476676439.
Genomic context (GRCh38, chr11:108,327,674, plus strand): 5'-TATATTTTAAGATTTTGCCTTTCTTATACAGAACAATCCCAGCCTAAAACTTACATACAC[A>G]GAATGTCTGAGGGTTTGTGGCAACTGGTTAGCAGAAACGTGCTTAGAAAATCCTGCGGTC-3'
Protein context (NP_000042.3, residues 2325-2345): ANNPSLKLTY[Thr2335=]ECLRVCGNWL

ClinVar aggregate classification (germline): Benign/Likely benign. Review status: criteria provided, multiple submitters, no conflicts (2 of 4 stars). 4 submissions from 4 submitters: Benign (1); Likely benign (3). Last evaluated 2024-06-12.

Conditions:
Hereditary cancer-predisposing syndrome. Also called: Hereditary Cancer Syndrome; Neoplastic Syndromes, Hereditary; Tumor predisposition; Hereditary neoplastic syndrome. Identifiers: Orphanet 140162, MedGen C0027672, MeSH D009386, MONDO:0015356.
Familial cancer of breast. Also called: BREAST CANCER, FAMILIAL; Hereditary breast cancer; hereditary breast carcinoma. Identifiers: Orphanet 227535, MedGen C0346153, MONDO:0016419, OMIM 114480. Disease mechanism: loss of function.
Ataxia-telangiectasia syndrome (AT). Also called: Cerebello-oculocutaneous telangiectasia; Immunodeficiency with ataxia telangiectasia; Ataxia-telangiectasia, complementation group E; Ataxia-telangiectasia, complementation group D; AT, COMPLEMENTATION GROUP C; ATAXIA-TELANGIECTASIA, COMPLEMENTATION GROUP A. Identifiers: Orphanet 100, MedGen C0004135, MONDO:0008840, OMIM 208900.

Submissions (4):

Myriad Genetics, Inc.
Classification: Benign for Familial cancer of breast. Last evaluated: 2024-06-12. Review status: criteria provided, single submitter. Criteria: Myriad Autosomal Dominant, Autosomal Recessive and X-Linked Classification Criteria (2023). Collection method: clinical testing. Allele origin: unknown.
Comment: This variant is considered benign. This variant is a silent/synonymous amino acid change and it is not expected to impact splicing.

Ambry Genetics
Classification: Likely benign for Hereditary cancer-predisposing syndrome. Last evaluated: 2024-05-02. Review status: criteria provided, single submitter. Criteria: Ambry Variant Classification Scheme 2023. Collection method: clinical testing. Allele origin: germline.

Labcorp Genetics (formerly Invitae), Labcorp
Classification: Likely benign for Ataxia-telangiectasia syndrome. Last evaluated: 2024-04-29. Review status: criteria provided, single submitter. Criteria: Invitae Variant Classification Sherloc (09022015). Collection method: clinical testing. Allele origin: germline.

Color Diagnostics, LLC DBA Color Health
Classification: Likely benign for Hereditary cancer-predisposing syndrome. Last evaluated: 2019-12-16. Review status: criteria provided, single submitter. Criteria: ACMG Guidelines, 2015. Collection method: clinical testing. Allele origin: germline.